The following is an entry in ClinVar:

NM_004092.4(ECHS1):c.500T>C (p.Ile167Thr)

Gene: ECHS1 (enoyl-CoA hydratase, short chain 1; minus strand). Cytogenetic location: 10q26.3.
Variant type: single nucleotide variant.
Coding change: c.500T>C on transcript NM_004092.4 (MANE Select); coding-DNA position 500, T replaced by C.
Protein change: p.Ile167Thr; replaces isoleucine 167 with threonine.
Molecular consequence: missense variant.
Genome position (GRCh38, 1-based): chr10:133,368,937, A>G on the plus strand (T>C on the coding strand, the complement: ECHS1 is on the minus strand). VCF-style: chr10-133368937-A-G. GRCh37 (hg19) VCF-style: chr10-135182441-A-G.
Other names: short protein forms I167T.
Identifiers: ClinVar variation 3257271 (VCV003257271.17).

ClinVar aggregate classification (germline): Likely pathogenic (1 of 4 stars; one submission).

Submission:

CeGaT Center for Human Genetics Tuebingen
Classification: Likely pathogenic. Last evaluated: 2024-10-01. Review status: criteria provided, single submitter. Criteria: CeGaT Center For Human Genetics Tuebingen Variant Classification Criteria Version 2. Collection method: clinical testing. Allele origin: germline. Affected: yes. Observed: 3 variant alleles.
Comment: ECHS1: PM1, PM2, PP4:Moderate